The following is an entry in ClinVar:

NM_001277115.2(DNAH11):c.8554C>G (p.Leu2852Val)

Gene: DNAH11 (dynein axonemal heavy chain 11; plus strand). Cytogenetic location: 7p15.3.
Variant type: single nucleotide variant.
Coding change: c.8554C>G on transcript NM_001277115.2 (MANE Select); coding-DNA position 8554, C replaced by G.
Protein change: p.Leu2852Val; replaces leucine 2852 with valine.
Molecular consequence: missense variant.
Genome position (GRCh38, 1-based): chr7:21,748,623, C>G. VCF-style: chr7-21748623-C-G. GRCh37 (hg19) VCF-style: chr7-21788241-C-G.
Other names: short protein forms L2852V.
Identifiers: ClinVar variation 1039760 (VCV001039760.16), dbSNP rs1363623324, ClinGen allele CA366955117.

ClinVar aggregate classification (germline): Uncertain significance (1 of 4 stars; one submission).

Conditions:
Primary ciliary dyskinesia. Also called: Ciliary dyskinesia. Identifiers: Orphanet 244, MedGen C0008780, MONDO:0016575, HP:0012265.

Submission:

Labcorp Genetics (formerly Invitae), Labcorp
Classification: Uncertain significance for Primary ciliary dyskinesia. Last evaluated: 2020-02-14. Review status: criteria provided, single submitter. Criteria: Invitae Variant Classification Sherloc (09022015). Collection method: clinical testing. Allele origin: germline.
Comment: Algorithms developed to predict the effect of missense changes on protein structure and function are either unavailable or do not agree on the potential impact of this missense change (SIFT: "Deleterious"; PolyPhen-2: "Possibly Damaging"; Align-GVGD: "Class C0"). In summary, the available evidence is currently insufficient to determine the role of this variant in disease. Therefore, it has been classified as a Variant of Uncertain Significance. This variant is not present in population databases (ExAC no frequency). This sequence change replaces leucine with valine at codon 2852 of the DNAH11 protein (p.Leu2852Val). The leucine residue is highly conserved and there is a small physicochemical difference between leucine and valine.